The following is an entry in ClinVar:

NM_015972.4(POLR1D):c.383G>A (p.Arg128Lys)

Genes: POLR1D (RNA polymerase I and III subunit D; plus strand), LOC147380392 (uncharacterized LOC147380392; plus strand). Cytogenetic location: 13q12.2.
Variant type: single nucleotide variant.
Coding change: c.383G>A on transcript NM_015972.4 (MANE Select); coding-DNA position 383, G replaced by A.
Protein change: p.Arg128Lys; replaces arginine 128 with lysine.
Molecular consequence: missense variant. On other transcripts: intron variant (2).
Genome position (GRCh38, 1-based): chr13:27,623,231, G>A. VCF-style: chr13-27623231-G-A. GRCh37 (hg19) VCF-style: chr13-28197368-G-A.
Other names: c.383G>A, p.Arg128Lys (NM_001374407.1); c.-59+2091G>A (NM_001206559.2); c.26+1222G>A (NM_152705.3); short protein forms R128K.
Identifiers: ClinVar variation 2633585 (VCV002633585.2), dbSNP rs781403620, ClinGen allele CA6927305.

ClinVar aggregate classification (germline): Uncertain significance (0 of 4 stars; one submission).

Conditions:
POLR1D-related disorder. Also called: POLR1D-related condition.

Allele frequency attached by ClinVar (database versions not stated): gnomAD exomes below 0.00001; ExAC 0.00001.
gnomAD v4.1: 2 of 1,613,984 alleles (0.00012%); highest among the groups gnomAD compares: South Asian, 0.0011%; no homozygotes.

Submission:

PreventionGenetics, part of Exact Sciences
Classification: Uncertain significance for POLR1D-related condition. Last evaluated: 2024-04-15. Review status: no assertion criteria provided. Collection method: clinical testing. Allele origin: germline.
Comment: The POLR1D c.383G>A variant is predicted to result in the amino acid substitution p.Arg128Lys. To our knowledge, this variant has not been reported in the literature. This variant is reported in 0.0033% of alleles in individuals of South Asian descent in gnomAD. At this time, the clinical significance of this variant is uncertain due to the absence of conclusive functional and genetic evidence.